The following is an entry in ClinVar:

NM_006648.4(WNK2):c.2378C>T (p.Pro793Leu)

Gene: WNK2 (WNK lysine deficient protein kinase 2; plus strand). Cytogenetic location: 9q22.31.
Variant type: single nucleotide variant.
Coding change: c.2378C>T on transcript NM_006648.4 (MANE Select); coding-DNA position 2378, C replaced by T.
Protein change: p.Pro793Leu; replaces proline 793 with leucine.
Molecular consequence: missense variant.
Genome position (GRCh38, 1-based): chr9:93,257,135, C>T. VCF-style: chr9-93257135-C-T. GRCh37 (hg19) VCF-style: chr9-96019417-C-T.
Other names: c.2378C>T, p.Pro793Leu (NM_001282394.3); short protein forms P793L.
Identifiers: ClinVar variation 3816733 (VCV003816733.1).

ClinVar aggregate classification (germline): Uncertain significance (1 of 4 stars; one submission).

gnomAD v4.1: 25 of 1,607,422 alleles (0.0016%); highest among the groups gnomAD compares: South Asian, 0.019%; no homozygotes.

Submission:

Ambry Genetics
Classification: Uncertain significance. Last evaluated: 2025-01-05. Review status: criteria provided, single submitter. Criteria: Ambry Variant Classification Scheme 2023. Collection method: clinical testing. Allele origin: germline.
Comment: The p.P793L variant (also known as c.2378C>T), located in coding exon 10 of the WNK2 gene, results from a C to T substitution at nucleotide position 2378. The proline at codon 793 is replaced by leucine, an amino acid with similar properties. This amino acid position is conserved. In addition, this alteration is predicted to be tolerated by in silico analysis. Based on the available evidence, the clinical significance of this variant remains unclear.